The following is an entry in ClinVar:

ClinVar aggregate classification (germline): Uncertain significance. Review status: criteria provided, multiple submitters, no conflicts (2 of 4 stars). 2 submissions from 2 submitters: Uncertain significance (2). Last evaluated 2022-03-14.

Allele frequency attached by ClinVar (database versions not stated): gnomAD exomes below 0.00001.
gnomAD v4.1: 2 of 1,613,708 alleles (0.00012%); highest among the groups gnomAD compares: Non-Finnish European, 0.00017%; no homozygotes.

Submissions (2):

GeneDx
Classification: Uncertain significance. Last evaluated: 2022-03-14. Review status: criteria provided, single submitter. Criteria: GeneDx Variant Classification Process June 2021. Collection method: clinical testing. Allele origin: germline. Affected: yes.
Comment: Not observed at significant frequency in large population cohorts (gnomAD); Missense variant in a gene in which most reported pathogenic variants are truncating/loss-of-function; Has not been previously published as pathogenic or benign to our knowledge; This variant is associated with the following publications: (PMID: 23975875)

ARUP Laboratories, Molecular Genetics and Genomics, ARUP Laboratories
Classification: Uncertain significance. Last evaluated: 2019-02-27. Review status: criteria provided, single submitter. Criteria: ARUP Molecular Germline Variant Investigation Process. Collection method: clinical testing. Allele origin: germline.
Comment: The TTN c.72266A>G; p.Asp24089Gly variant is rare in the general population (<1% allele frequency in the Genome Aggregation Database) and has not been reported in the medical literature in association with dilated cardiomyopathy (DCM) or other TTN-related disease. The clinical relevance of rare missense variants in this gene, which are identified on average once per individual sequenced in affected populations (Herman 2012), is not well understood. Yet, evidence suggests that the vast majority of such missense variants do not contribute to the clinical outcome of DCM (Begay 2015). Thus, the clinical significance of the p.Asp24089Gly variant cannot be determined with certainty.

NM_001267550.2(TTN):c.79970A>G (p.Asp26657Gly)

Genes: TTN-AS1 (TTN antisense RNA 1; plus strand), TTN (titin; minus strand). Cytogenetic location: 2q31.2.
Variant type: single nucleotide variant.
Coding change: c.79970A>G on transcript NM_001267550.2 (MANE Select); coding-DNA position 79970, A replaced by G.
Protein change: p.Asp26657Gly; replaces aspartic acid 26657 with glycine.
Molecular consequence: missense variant.
Genome position (GRCh38, 1-based): chr2:178,566,162, T>C on the plus strand (A>G on the coding strand, the complement: TTN is on the minus strand). VCF-style: chr2-178566162-T-C. GRCh37 (hg19) VCF-style: chr2-179430889-T-C.
Other names: c.75047A>G, p.Asp25016Gly (NM_001256850.1); c.52775A>G, p.Asp17592Gly (NM_003319.4); c.72266A>G, p.Asp24089Gly (NM_133378.4); c.53150A>G, p.Asp17717Gly (NM_133432.3); c.53351A>G, p.Asp17784Gly (NM_133437.4); short protein forms D17592G, D17717G, D17784G, D24089G, D25016G, D26657G.
Identifiers: ClinVar variation 811304 (VCV000811304.9), dbSNP rs1397158186, ClinGen allele CA349592373.